The following is an entry in ClinVar:

ClinVar aggregate classification (germline): Uncertain significance (1 of 4 stars; one submission).

Submission:

GeneDx
Classification: Uncertain significance. Last evaluated: 2024-02-26. Review status: criteria provided, single submitter. Criteria: GeneDx Variant Classification Process June 2021. Collection method: clinical testing. Allele origin: germline. Affected: yes.
Comment: Not observed at significant frequency in large population cohorts (gnomAD); In silico analysis supports that this missense variant does not alter protein structure/function; Has not been previously published as pathogenic or benign to our knowledge

NM_007118.4(TRIO):c.8620C>G (p.Gln2874Glu)

Gene: TRIO (trio Rho guanine nucleotide exchange factor; plus strand). Cytogenetic location: 5p15.2.
Variant type: single nucleotide variant.
Coding change: c.8620C>G on transcript NM_007118.4 (MANE Select); coding-DNA position 8620, C replaced by G.
Protein change: p.Gln2874Glu; replaces glutamine 2874 with glutamic acid.
Molecular consequence: missense variant. On other transcripts: non-coding transcript variant (1).
Genome position (GRCh38, 1-based): chr5:14,507,129, C>G. VCF-style: chr5-14507129-C-G. GRCh37 (hg19) VCF-style: chr5-14507238-C-G.
Other names: short protein forms Q2874E.
Identifiers: ClinVar variation 3369905 (VCV003369905.1).
Genomic context (GRCh38, chr5:14,507,129, plus strand): 5'-GAGGTCTTCAAAGCAAATCGCATCATAACAGTCACCCGCTCCTGCCTCTTTAGGGCTGAC[C>G]AGGGTCGCCTCCTGGACTGCGTGGTGCGATGGGGAAGCCTCACTGAAGGGAAGATCAGGG-3'
Protein context (NP_009049.2, residues 2864-2884): SYILVLEMAD[Gln2874Glu]GRLLDCVVRW